The following is an entry in ClinVar:

NM_006231.4(POLE):c.415C>G (p.Leu139Val)

Gene: POLE (DNA polymerase epsilon, catalytic subunit; minus strand). Cytogenetic location: 12q24.33.
Variant type: single nucleotide variant.
Coding change: c.415C>G on transcript NM_006231.4 (MANE Select); coding-DNA position 415, C replaced by G.
Protein change: p.Leu139Val; replaces leucine 139 with valine.
Molecular consequence: missense variant.
Genome position (GRCh38, 1-based): chr12:132,679,962, G>C on the plus strand (C>G on the coding strand, the complement: POLE is on the minus strand). VCF-style: chr12-132679962-G-C. GRCh37 (hg19) VCF-style: chr12-133256548-G-C.
Other names: short protein forms L139V.
Identifiers: ClinVar variation 2739727 (VCV002739727.3), dbSNP rs1302399839, ClinGen allele CA387368012.

ClinVar aggregate classification (germline): Uncertain significance (1 of 4 stars; one submission).

Submission:

Labcorp Genetics (formerly Invitae), Labcorp
Classification: Uncertain significance. Last evaluated: 2025-10-01. Review status: criteria provided, single submitter. Criteria: Invitae Variant Classification Sherloc (09022015). Collection method: clinical testing. Allele origin: germline.
Comment: This sequence change replaces leucine, which is neutral and non-polar, with valine, which is neutral and non-polar, at codon 139 of the POLE protein (p.Leu139Val). This variant is not present in population databases (gnomAD no frequency). This variant has not been reported in the literature in individuals affected with POLE-related conditions. ClinVar contains an entry for this variant (Variation ID: 2739727). Invitae Evidence Modeling of protein sequence and biophysical properties (such as structural, functional, and spatial information, amino acid conservation, physicochemical variation, residue mobility, and thermodynamic stability) indicates that this missense variant is expected to disrupt POLE protein function with a positive predictive value of 80%. In summary, the available evidence is currently insufficient to determine the role of this variant in disease. Therefore, it has been classified as a Variant of Uncertain Significance.